The following is an entry in ClinVar:

NM_021975.4(RELA):c.688G>A (p.Gly230Arg)

Gene: RELA (RELA proto-oncogene, NF-kB subunit; minus strand). Cytogenetic location: 11q13.1.
Variant type: single nucleotide variant.
Coding change: c.688G>A on transcript NM_021975.4 (MANE Select); coding-DNA position 688, G replaced by A.
Protein change: p.Gly230Arg; replaces glycine 230 with arginine.
Molecular consequence: missense variant. On other transcripts: intron variant (2).
Genome position (GRCh38, 1-based): chr11:65,658,476, C>T on the plus strand (G>A on the coding strand, the complement: RELA is on the minus strand). VCF-style: chr11-65658476-C-T. GRCh37 (hg19) VCF-style: chr11-65425947-C-T.
Other names: c.679G>A, p.Gly227Arg (NM_001145138.2); c.688G>A, p.Gly230Arg (NM_001243984.2, NM_001243985.2); c.721G>A, p.Gly241Arg (NM_001404657.1); c.661G>A, p.Gly221Arg (NM_001404658.1); c.307G>A, p.Gly103Arg (NM_001404661.1); c.595G>A, p.Gly199Arg (NM_001404662.1, NM_001404663.1); c.559+1190G>A (NM_001404660.1); c.664+242G>A (NM_001404659.1); and 1 more; short protein forms G103R, G199R, G221R, G227R, G230R, G241R.
Identifiers: ClinVar variation 2896240 (VCV002896240.4), dbSNP rs1032578811, ClinGen allele CA224009025.

ClinVar aggregate classification (germline): Uncertain significance. Review status: criteria provided, multiple submitters, no conflicts (2 of 4 stars). 2 submissions from 2 submitters: Uncertain significance (2). Last evaluated 2025-09-24.

Allele frequency attached by ClinVar (database versions not stated): gnomAD 0.00001; gnomAD exomes 0.00001; TOPMed 0.00002.
gnomAD v4.1: 16 of 1,610,336 alleles (0.00099%); highest among the groups gnomAD compares: Non-Finnish European, 0.0011%; no homozygotes.

Submissions (2):

Ambry Genetics
Classification: Uncertain significance. Last evaluated: 2025-09-24. Review status: criteria provided, single submitter. Criteria: Ambry Variant Classification Scheme 2023. Collection method: clinical testing. Allele origin: germline.

Labcorp Genetics (formerly Invitae), Labcorp
Classification: Uncertain significance. Last evaluated: 2023-06-15. Review status: criteria provided, single submitter. Criteria: Invitae Variant Classification Sherloc (09022015). Collection method: clinical testing. Allele origin: germline.
Comment: In summary, the available evidence is currently insufficient to determine the role of this variant in disease. Therefore, it has been classified as a Variant of Uncertain Significance. An algorithm developed to predict the effect of missense changes on protein structure and function (PolyPhen-2) suggests that this variant is likely to be disruptive. This sequence change replaces glycine, which is neutral and non-polar, with arginine, which is basic and polar, at codon 230 of the RELA protein (p.Gly230Arg). This variant is not present in population databases (gnomAD no frequency). This variant has not been reported in the literature in individuals affected with RELA-related conditions.